The following is an entry in ClinVar:

ClinVar aggregate classification (germline): Uncertain significance (1 of 4 stars; one submission).

Conditions:
Inborn genetic diseases. Identifiers: MedGen C0950123, MeSH D030342.

Submission:

Ambry Genetics
Classification: Uncertain significance for Inborn genetic diseases. Last evaluated: 2023-04-19. Review status: criteria provided, single submitter. Criteria: Ambry Variant Classification Scheme 2023. Collection method: clinical testing. Allele origin: germline.
Comment: The c.716T>G (p.I239S) alteration is located in exon 1 (coding exon 1) of the KCND2 gene. This alteration results from a T to G substitution at nucleotide position 716, causing the isoleucine (I) at amino acid position 239 to be replaced by a serine (S). This variant was not reported in population-based cohorts in the Genome Aggregation Database (gnomAD). This amino acid position is highly conserved in available vertebrate species. This alteration is predicted to be deleterious by in silico analysis. Based on insufficient or conflicting evidence, the clinical significance of this alteration remains unclear.

NM_012281.3(KCND2):c.716T>G (p.Ile239Ser)

Gene: KCND2 (potassium voltage-gated channel subfamily D member 2; plus strand). Cytogenetic location: 7q31.31.
Variant type: single nucleotide variant.
Coding change: c.716T>G on transcript NM_012281.3 (MANE Select); coding-DNA position 716, T replaced by G.
Protein change: p.Ile239Ser; replaces isoleucine 239 with serine.
Molecular consequence: missense variant.
Genome position (GRCh38, 1-based): chr7:120,275,348, T>G. VCF-style: chr7-120275348-T-G. GRCh37 (hg19) VCF-style: chr7-119915402-T-G.
Other names: short protein forms I239S.
Identifiers: ClinVar variation 2513734 (VCV002513734.2), dbSNP rs2546907483, ClinGen allele CA369132231.